The following is an entry in ClinVar:

NM_000051.4(ATM):c.5762_5763del (p.Arg1921fs)

Gene: ATM (ATM serine/threonine kinase; plus strand). Cytogenetic location: 11q22.3.
Variant type: Microsatellite.
Coding change: c.5762_5763del on transcript NM_000051.4 (MANE Select); coding-DNA positions 5762 to 5763, 2 bases deleted (AG; older notation c.5762_5763delAG).
Protein change: p.Arg1921fs; shifts the reading frame from arginine 1921.
Molecular consequence: frameshift variant.
Genome position (GRCh38, 1-based): chr11:108,307,983-108,307,984, AG deleted; deleting any 2 consecutive bases within chr11:108,307,981-108,307,984 gives the same sequence; the c. name uses the placement nearest the transcript's 3' end. VCF-style (leftmost placement, unchanged base first): chr11-108307980-AAG-A. GRCh37 (hg19) VCF-style: chr11-108178707-AAG-A.
Other names: c.5762_5763del, p.Arg1921fs (NM_001351834.2); c.5761_5762del (NM_000051.3, NM_000051.4); short protein forms R1921fs.
Identifiers: ClinVar variation 629413 (VCV000629413.5), dbSNP rs1565486341, ClinGen allele CA913188484.

ClinVar aggregate classification (germline): Pathogenic (1 of 4 stars; one submission).

Conditions:
Hereditary cancer-predisposing syndrome. Also called: Neoplastic Syndromes, Hereditary; Tumor predisposition; Hereditary neoplastic syndrome; Hereditary Cancer Syndrome. Identifiers: Orphanet 140162, MedGen C0027672, MeSH D009386, MONDO:0015356.

Submission:

Color Diagnostics, LLC DBA Color Health
Classification: Pathogenic for Hereditary cancer-predisposing syndrome. Last evaluated: 2022-01-10. Review status: criteria provided, single submitter. Criteria: ACMG Guidelines, 2015. Collection method: clinical testing. Allele origin: germline.
Comment: This variant deletes 2 nucleotides in exon 38 of the ATM gene, creating a frameshift and premature translation stop signal. This variant is expected to result in an absent or non-functional protein product. This variant has not been reported in individuals affected with hereditary cancer in the literature. This variant has not been identified in the general population by the Genome Aggregation Database (gnomAD). Loss of ATM function is a known mechanism of disease. Based on the available evidence, this variant is classified as Pathogenic.